The following is an entry in ClinVar:

NM_001349253.2(SCN11A):c.3042A>T (p.Gln1014His)

Gene: SCN11A (sodium voltage-gated channel alpha subunit 11; minus strand). Cytogenetic location: 3p22.2.
Variant type: single nucleotide variant.
Coding change: c.3042A>T on transcript NM_001349253.2 (MANE Select); coding-DNA position 3042, A replaced by T.
Protein change: p.Gln1014His; replaces glutamine 1014 with histidine.
Molecular consequence: missense variant.
Genome position (GRCh38, 1-based): chr3:38,885,310, T>A on the plus strand (A>T on the coding strand, the complement: SCN11A is on the minus strand). VCF-style: chr3-38885310-T-A. GRCh37 (hg19) VCF-style: chr3-38926801-T-A.
Other names: c.3042A>T, p.Gln1014His (NM_014139.3); short protein forms Q1014H.
Identifiers: ClinVar variation 474716 (VCV000474716.5), dbSNP rs1553635601, ClinGen allele CA352173538.
Genomic context (GRCh38, chr3:38,885,310, plus strand): 5'-AGATTCTGTGAACTGGATGCAGAAATACTGCCACTTACCTTTGGGCAAACATCTCTCTGG[T>A]TGCTTTTTGGGAACCATCTCAGGTAACCATCCAAAGCCATCCTGAAGATCAATGGTGCTA-3'
Protein context (NP_001336182.1, residues 1004-1024): GWLPEMVPKK[Gln1014His]PERCLPKGFG

ClinVar aggregate classification (germline): Uncertain significance (1 of 4 stars; one submission).

Conditions:
Hereditary sensory and autonomic neuropathy type 7. Also called: Neuropathy, hereditary sensory and autonomic, type VII; HSAN VII. Identifiers: Orphanet 391397, MedGen C3809882, MONDO:0014244, OMIM 615548.
Familial episodic pain syndrome with predominantly lower limb involvement. Also called: Episodic pain syndrome, familial, 3. Identifiers: Orphanet 391384, Orphanet 391392, MedGen C3809899, MONDO:0014247, OMIM 615552.

gnomAD v4.1: 1 of 1,610,144 alleles (0.000062%); highest among the groups gnomAD compares: Non-Finnish European, 0.000085%; no homozygotes.

Submission:

Labcorp Genetics (formerly Invitae), Labcorp
Classification: Uncertain significance for Familial episodic pain syndrome with predominantly lower limb involvement; Hereditary sensory and autonomic neuropathy type 7. Last evaluated: 2017-04-29. Review status: criteria provided, single submitter. Criteria: Invitae Variant Classification Sherloc (09022015). Collection method: clinical testing. Allele origin: germline.
Comment: In summary, this variant is a novel missense change with uncertain impact on protein function. It has been classified as a Variant of Uncertain Significance. Algorithms developed to predict the effect of missense changes on protein structure and function do not agree on the potential impact of this missense change (SIFT: "Tolerated"; PolyPhen-2: "Possibly Damaging"; Align-GVGD: "Class C0"). This variant is not present in population databases (ExAC no frequency) and has not been reported in the literature in individuals with a SCN11A-related disease. This sequence change replaces glutamine with histidine at codon 1014 of the SCN11A protein (p.Gln1014His). The glutamine residue is moderately conserved and there is a small physicochemical difference between glutamine and histidine.